The following is an entry in ClinVar:

NM_000533.5(PLP1):c.4+81G>A

Genes: RAB9B (RAB9B, member RAS oncogene family; minus strand), PLP1 (proteolipid protein 1; plus strand). Cytogenetic location: Xq22.2.
Variant type: single nucleotide variant.
Coding change: c.4+81G>A on transcript NM_000533.5 (MANE Select); 81 bases into the intron after coding-DNA position 4, G replaced by A.
Molecular consequence: intron variant.
Genome position (GRCh38, 1-based): chrX:103,777,080, G>A. VCF-style: chrX-103777080-G-A. GRCh37 (hg19) VCF-style: chrX-103032008-G-A.
Other names: c.4+81G>A (NM_001128834.3, NM_199478.3, NM_001305004.1).
Identifiers: ClinVar variation 3347744 (VCV003347744.1).

ClinVar aggregate classification (germline): Uncertain significance (0 of 4 stars; one submission).

Conditions:
PLP1-related disorder. Also called: PLP1-related condition; PLP1-Related Disorders. Identifiers: MedGen CN378767.

gnomAD v4.1: 3 of 828,750 alleles (0.00036%); highest among the groups gnomAD compares: African/African-American, 0.002%; no homozygotes.

Submission:

PreventionGenetics, part of Exact Sciences
Classification: Uncertain significance for PLP1-related condition. Last evaluated: 2024-07-23. Review status: no assertion criteria provided. Collection method: clinical testing. Allele origin: germline.
Comment: The PLP1 c.4+81G>A variant is predicted to interfere with splicing. To our knowledge, this variant has not been reported in the literature. This variant is reported in 0.018% of alleles in individuals of European (Non-Finnish) descent in gnomAD. Although we suspect that this variant may be benign, at this time, the clinical significance of this variant is uncertain due to the absence of conclusive functional and genetic evidence.